The following is an entry in ClinVar:

NM_138413.4(HOGA1):c.3G>A (p.Met1Ile)

Gene: HOGA1 (4-hydroxy-2-oxoglutarate aldolase 1; plus strand). Cytogenetic location: 10q24.2.
Variant type: single nucleotide variant.
Coding change: c.3G>A on transcript NM_138413.4 (MANE Select); coding-DNA position 3, G replaced by A.
Protein change: p.Met1Ile; changes the start codon (methionine 1).
Molecular consequence: missense variant, initiator codon variant.
Genome position (GRCh38, 1-based): chr10:97,584,706, G>A. VCF-style: chr10-97584706-G-A. GRCh37 (hg19) VCF-style: chr10-99344463-G-A.
Other names: c.3G>A, p.Met1Ile (NM_001134670.2); c.3G>A (NM_138413.3); short protein forms M1I.
Identifiers: ClinVar variation 2664379 (VCV002664379.2), dbSNP rs2135711169, ClinGen allele CA377966857.

ClinVar aggregate classification (germline): Pathogenic. Review status: criteria provided, multiple submitters, no conflicts (2 of 4 stars). 2 submissions from 2 submitters: Pathogenic (2). Last evaluated 2024-11-05.

Conditions:
Primary hyperoxaluria type 3. Also called: PH III. Identifiers: Orphanet 416, Orphanet 93600, MedGen C3150878, MONDO:0013327, OMIM 613616. Disease mechanism: loss of function.

Submissions (2):

Natera, Inc.
Classification: Pathogenic for Primary hyperoxaluria type III. Last evaluated: 2024-11-05. Review status: criteria provided, single submitter. Criteria: Natera Variant Classification Schema (03/2026). Collection method: clinical testing. Allele origin: germline.
Comment: The c.3G>A variant in HOGA1 is predicted to result in start loss due to disruption of the initiator methionine. This variant is expected to result in nonsense mediated decay, truncation, or a dysfunctional protein product. This variant is rare in the general population with a frequency below the threshold expected for the associated phenotype(s). This variant has been observed in one or more individuals affected with the associated recessive disease, as either homozygous or compound heterozygous with a second variant (PMID: 25972204). Given the available evidence, this variant is classified as Pathogenic.

Clinical Biochemistry Laboratory, Health Services Laboratory
Classification: Pathogenic for Primary hyperoxaluria type 3. Last evaluated: 2023-10-27. Review status: criteria provided, single submitter. Criteria: ACMG Guidelines, 2015. Collection method: curation. Allele origin: germline. Affected: yes.
Comment: ACMG:PM1 PM2 PM3 PP3 PP6

Literature cited by the submitters: PubMed 25972204 (cited by Natera, Inc. and Clinical Biochemistry Laboratory, Health Services Laboratory).